The following is an entry in ClinVar:

ClinVar aggregate classification (germline): Uncertain significance (1 of 4 stars; one submission).

Conditions:
Hermansky-Pudlak syndrome 2 (HPS2). Also called: Platelet defects and oculocutaneous albinism. Identifiers: Orphanet 183678, Orphanet 79430, MedGen C1842362, MONDO:0011997, OMIM 608233.

Submission:

Labcorp Genetics (formerly Invitae), Labcorp
Classification: Uncertain significance for Hermansky-Pudlak syndrome 2. Last evaluated: 2022-11-22. Review status: criteria provided, single submitter. Criteria: Invitae Variant Classification Sherloc (09022015). Collection method: clinical testing. Allele origin: germline.
Comment: In summary, the available evidence is currently insufficient to determine the role of this variant in disease. Therefore, it has been classified as a Variant of Uncertain Significance. Variants that disrupt the consensus splice site are a relatively common cause of aberrant splicing (PMID: 17576681, 9536098). Algorithms developed to predict the effect of sequence changes on RNA splicing suggest that this variant may create or strengthen a splice site. ClinVar contains an entry for this variant (Variation ID: 943474). This variant has not been reported in the literature in individuals affected with AP3B1-related conditions. This variant is present in population databases (no rsID available, gnomAD no frequency). This sequence change falls in intron 16 of the AP3B1 gene. It does not directly change the encoded amino acid sequence of the AP3B1 protein. It affects a nucleotide within the consensus splice site.

Literature cited by the submitters: PubMed 17576681; PubMed 9536098.

NM_003664.5(AP3B1):c.1838-2_1838-1insAAA

Gene: AP3B1 (adaptor related protein complex 3 subunit beta 1; minus strand). Cytogenetic location: 5q14.1.
Variant type: Insertion.
Coding change: c.1838-2_1838-1insAAA on transcript NM_003664.5 (MANE Select); the canonical splice acceptor site of the intron before coding-DNA position 1838, AAA inserted.
Molecular consequence: splice acceptor variant.
Genome position: GRCh38 VCF-style: chr5-78128161-C-CTTT. GRCh37 (hg19) VCF-style: chr5-77423985-C-CTTT.
Other names: c.1691-2_1691-1insAAA (NM_001271769.2).
Identifiers: ClinVar variation 943474 (VCV000943474.5), dbSNP rs1290648194, ClinGen allele CA560501866.